The following is an entry in ClinVar:

NM_014727.3(KMT2B):c.4829A>G (p.Asn1610Ser)

Gene: KMT2B (lysine methyltransferase 2B; plus strand). Cytogenetic location: 19q13.12.
Variant type: single nucleotide variant.
Coding change: c.4829A>G on transcript NM_014727.3 (MANE Select); coding-DNA position 4829, A replaced by G.
Protein change: p.Asn1610Ser; replaces asparagine 1610 with serine.
Molecular consequence: missense variant.
Genome position (GRCh38, 1-based): chr19:35,729,208, A>G. VCF-style: chr19-35729208-A-G. GRCh37 (hg19) VCF-style: chr19-36220109-A-G.
Other names: short protein forms N1610S.
Identifiers: ClinVar variation 2899998 (VCV002899998.3), dbSNP rs1969588208, ClinGen allele CA405417880.
Genomic context (GRCh38, chr19:35,729,208, plus strand): 5'-TTCTGCCCCAGGAGGCGGGGCGGCTCTTGTACATCGGGCAGAACGAGTGGACACACGTCA[A>G]CTGTGCCATCTGGTCGGCGGAAGTCTTCGAGGAGAACGACGGCTCCCTCAAGAATGTGCA-3'
Protein context (NP_055542.1, residues 1600-1620): YIGQNEWTHV[Asn1610Ser]CAIWSAEVFE

ClinVar aggregate classification (germline): Uncertain significance (1 of 4 stars; one submission).

Allele frequency attached by ClinVar (database versions not stated): gnomAD exomes 0.00001.
gnomAD v4.1: 8 of 1,612,640 alleles (0.0005%); highest among the groups gnomAD compares: African/African-American, 0.0013%; no homozygotes.

Submission:

Labcorp Genetics (formerly Invitae), Labcorp
Classification: Uncertain significance. Last evaluated: 2022-11-03. Review status: criteria provided, single submitter. Criteria: Invitae Variant Classification Sherloc (09022015). Collection method: clinical testing. Allele origin: germline.
Comment: In summary, the available evidence is currently insufficient to determine the role of this variant in disease. Therefore, it has been classified as a Variant of Uncertain Significance. Advanced modeling of protein sequence and biophysical properties (such as structural, functional, and spatial information, amino acid conservation, physicochemical variation, residue mobility, and thermodynamic stability) has been performed at Invitae for this missense variant, however the output from this modeling did not meet the statistical confidence thresholds required to predict the impact of this variant on KMT2B protein function. This variant has not been reported in the literature in individuals affected with KMT2B-related conditions. This variant is not present in population databases (gnomAD no frequency). This sequence change replaces asparagine, which is neutral and polar, with serine, which is neutral and polar, at codon 1610 of the KMT2B protein (p.Asn1610Ser).